The following is an entry in ClinVar:

ClinVar aggregate classification (germline): Uncertain significance (1 of 4 stars; one submission).

Conditions:
Fanconi anemia (FA). Also called: Fanconi's anemia. Identifiers: Orphanet 84, MedGen C0015625, MeSH D005199, MONDO:0019391.

Submission:

Labcorp Genetics (formerly Invitae), Labcorp
Classification: Uncertain significance for Fanconi anemia. Last evaluated: 2022-05-30. Review status: criteria provided, single submitter. Criteria: Invitae Variant Classification Sherloc (09022015). Collection method: clinical testing. Allele origin: germline.
Comment: In summary, the available evidence is currently insufficient to determine the role of this variant in disease. Therefore, it has been classified as a Variant of Uncertain Significance. Algorithms developed to predict the effect of missense changes on protein structure and function output the following: SIFT: "Tolerated"; PolyPhen-2: "Benign"; Align-GVGD: "Class C0". The histidine amino acid residue is found in multiple mammalian species, which suggests that this missense change does not adversely affect protein function. This variant has not been reported in the literature in individuals affected with FANCM-related conditions. This sequence change replaces leucine, which is neutral and non-polar, with histidine, which is basic and polar, at codon 1811 of the FANCM protein (p.Leu1811His). This variant is not present in population databases (gnomAD no frequency).

NM_020937.4(FANCM):c.5432T>A (p.Leu1811His)

Gene: FANCM (FA complementation group M; plus strand). Cytogenetic location: 14q21.2.
Variant type: single nucleotide variant.
Coding change: c.5432T>A on transcript NM_020937.4 (MANE Select); coding-DNA position 5432, T replaced by A.
Protein change: p.Leu1811His; replaces leucine 1811 with histidine.
Molecular consequence: missense variant.
Genome position (GRCh38, 1-based): chr14:45,196,263, T>A. VCF-style: chr14-45196263-T-A. GRCh37 (hg19) VCF-style: chr14-45665466-T-A.
Other names: c.5354T>A, p.Leu1785His (NM_001308133.2); short protein forms L1785H, L1811H.
Identifiers: ClinVar variation 1905359 (VCV001905359.5), dbSNP rs2503269440, ClinGen allele CA389585815.
Genomic context (GRCh38, chr14:45,196,263, plus strand): 5'-CAGGGGCATCCTGTTCCAAGTCAAGACCACATTTAGCTGGGACACATACTTCTCTTAGAC[T>A]TCCGCAGGAAGGAAAAGGAACCTGTATTCTTGTAGGTGGTCATGAAATCACTTCTGGATT-3'
Protein context (NP_065988.1, residues 1801-1821): HLAGTHTSLR[Leu1811His]PQEGKGTCIL